The following is an entry in ClinVar:

ClinVar aggregate classification (germline): Uncertain significance. Review status: criteria provided, multiple submitters, no conflicts (2 of 4 stars). 2 submissions from 2 submitters: Uncertain significance (2). Last evaluated 2024-12-30.

Conditions:
Congenital myasthenic syndrome 4A. Also called: CONGENITAL MYASTHENIC SYNDROME TYPE Ia1; Myasthenic syndrome, congenital, 4a, slow-channel; MYASTHENIC SYNDROME, CONGENITAL, 4A, SLOW-CHANNEL, AUTOSOMAL RECESSIVE. Identifiers: Orphanet 590, MedGen C4225413, MONDO:0011600, OMIM 605809.

Allele frequency attached by ClinVar (database versions not stated): gnomAD exomes below 0.00001; TOPMed below 0.00001.
gnomAD v4.1: 5 of 1,614,060 alleles (0.00031%); highest among the groups gnomAD compares: Non-Finnish European, 0.00034%; no homozygotes.

Submissions (2):

Labcorp Genetics (formerly Invitae), Labcorp
Classification: Uncertain significance for Congenital myasthenic syndrome 4A. Last evaluated: 2024-12-30. Review status: criteria provided, single submitter. Criteria: Invitae Variant Classification Sherloc (09022015). Collection method: clinical testing. Allele origin: germline.
Comment: This sequence change replaces leucine, which is neutral and non-polar, with phenylalanine, which is neutral and non-polar, at codon 11 of the CHRNE protein (p.Leu11Phe). This variant is present in population databases (no rsID available, gnomAD 0.0009%). This variant has not been reported in the literature in individuals affected with CHRNE-related conditions. ClinVar contains an entry for this variant (Variation ID: 2440047). Invitae Evidence Modeling of protein sequence and biophysical properties (such as structural, functional, and spatial information, amino acid conservation, physicochemical variation, residue mobility, and thermodynamic stability) indicates that this missense variant is not expected to disrupt CHRNE protein function with a negative predictive value of 95%. In summary, the available evidence is currently insufficient to determine the role of this variant in disease. Therefore, it has been classified as a Variant of Uncertain Significance.

Revvity Omics, Revvity
Classification: Uncertain significance. Last evaluated: 2019-08-30. Review status: criteria provided, single submitter. Criteria: ACMG Guidelines, 2015. Collection method: clinical testing. Allele origin: germline.

NM_000080.4(CHRNE):c.31C>T (p.Leu11Phe)

Genes: C17orf107 (chromosome 17 open reading frame 107; plus strand), CHRNE (cholinergic receptor nicotinic epsilon subunit; minus strand). Cytogenetic location: 17p13.2.
Variant type: single nucleotide variant.
Coding change: c.31C>T on transcript NM_000080.4 (MANE Select); coding-DNA position 31, C replaced by T.
Protein change: p.Leu11Phe; replaces leucine 11 with phenylalanine.
Molecular consequence: missense variant.
Genome position (GRCh38, 1-based): chr17:4,903,033, G>A on the plus strand (C>T on the coding strand, the complement: CHRNE is on the minus strand). VCF-style: chr17-4903033-G-A. GRCh37 (hg19) VCF-style: chr17-4806328-G-A.
Other names: short protein forms L11F.
Identifiers: ClinVar variation 2440047 (VCV002440047.5), dbSNP rs1245614875, ClinGen allele CA397308020.